The following is an entry in ClinVar:

ClinVar aggregate classification (germline): Conflicting classifications of pathogenicity. Review status: criteria provided, conflicting classifications (1 of 4 stars). 3 submissions from 3 submitters: Uncertain significance (2); Likely benign (1). Last evaluated 2024-07-01.

Conditions:
Donnai-Barrow syndrome. Also called: DBS/FOAR SYNDROME; FACIOOCULOACOUSTICORENAL SYNDROME. Identifiers: Orphanet 2143, MedGen C1857277, MONDO:0009104, OMIM 222448.

Allele frequency attached by ClinVar (database versions not stated): ExAC 0.00001; gnomAD 0.00001; TOPMed 0.00001; gnomAD exomes 0.00002.
gnomAD v4.1: 6 of 1,614,042 alleles (0.00037%); highest among the groups gnomAD compares: Admixed American, 0.01%; no homozygotes.

Submissions (3):

Labcorp Genetics (formerly Invitae), Labcorp
Classification: Uncertain significance. Last evaluated: 2024-07-01. Review status: criteria provided, single submitter. Criteria: Invitae Variant Classification Sherloc (09022015). Collection method: clinical testing. Allele origin: germline.
Comment: This sequence change affects codon 969 of the LRP2 mRNA. It is a 'silent' change, meaning that it does not change the encoded amino acid sequence of the LRP2 protein. It affects a nucleotide within the consensus splice site. This variant is present in population databases (rs775082388, gnomAD 0.01%). This variant has not been reported in the literature in individuals affected with LRP2-related conditions. ClinVar contains an entry for this variant (Variation ID: 1406971). Algorithms developed to predict the effect of sequence changes on RNA splicing suggest that this variant is not likely to affect RNA splicing. In summary, the available evidence is currently insufficient to determine the role of this variant in disease. Therefore, it has been classified as a Variant of Uncertain Significance.

Fulgent Genetics
Classification: Uncertain significance for Donnai-Barrow syndrome. Last evaluated: 2021-12-30. Review status: criteria provided, single submitter. Criteria: ACMG Guidelines, 2015. Collection method: clinical testing. Allele origin: unknown.

Blueprint Genetics
Classification: Likely benign. Last evaluated: 2021-01-14. Review status: criteria provided, single submitter. Criteria: ACMG Guidelines, 2015. Collection method: clinical testing. Allele origin: germline.

NM_004525.3(LRP2):c.2907T>G (p.Thr969=)

Gene: LRP2 (LDL receptor related protein 2; minus strand). Cytogenetic location: 2q31.1.
Variant type: single nucleotide variant.
Coding change: c.2907T>G on transcript NM_004525.3 (MANE Select); coding-DNA position 2907, T replaced by G.
Protein change: p.Thr969=; no amino-acid change (threonine 969 retained).
Molecular consequence: synonymous variant.
Genome position (GRCh38, 1-based): chr2:169,247,379, A>C on the plus strand (T>G on the coding strand, the complement: LRP2 is on the minus strand). VCF-style: chr2-169247379-A-C. GRCh37 (hg19) VCF-style: chr2-170103889-A-C.
Identifiers: ClinVar variation 1406971 (VCV001406971.8), dbSNP rs775082388, ClinGen allele CA1955184.